The following is an entry in ClinVar:

NM_001042492.3(NF1):c.2232C>G (p.Val744=)

Gene: NF1 (neurofibromin 1; plus strand). Cytogenetic location: 17q11.2.
Variant type: single nucleotide variant.
Coding change: c.2232C>G on transcript NM_001042492.3 (MANE Select); coding-DNA position 2232, C replaced by G.
Protein change: p.Val744=; no amino-acid change (valine 744 retained).
Molecular consequence: synonymous variant.
Genome position (GRCh38, 1-based): chr17:31,226,665, C>G. VCF-style: chr17-31226665-C-G. GRCh37 (hg19) VCF-style: chr17-29553683-C-G.
Other names: c.2232C>G, p.Val744= (NM_000267.4).
Identifiers: ClinVar variation 220274 (VCV000220274.10), dbSNP rs748865537, ClinGen allele CA350775.

ClinVar aggregate classification (germline): Likely benign. Review status: criteria provided, multiple submitters, no conflicts (2 of 4 stars). 3 submissions from 3 submitters: Likely benign (3). Last evaluated 2025-03-30.

Conditions:
Hereditary cancer-predisposing syndrome. Also called: Tumor predisposition; Hereditary neoplastic syndrome; Neoplastic Syndromes, Hereditary; Hereditary Cancer Syndrome. Identifiers: Orphanet 140162, MedGen C0027672, MeSH D009386, MONDO:0015356.
Neurofibromatosis, type 1 (NF1). Also called: Peripheral type neurofibromatosis; NEUROFIBROMATOSIS, TYPE I, SOMATIC; Neurofibromatosis, type I; VON RECKLINGHAUSEN DISEASE. Identifiers: Orphanet 636, MedGen C0027831, MONDO:0018975, OMIM 162200. Disease mechanism: loss of function.

Allele frequency attached by ClinVar (database versions not stated): gnomAD exomes below 0.00001; ExAC 0.00001.

Submissions (3):

Labcorp Genetics (formerly Invitae), Labcorp
Classification: Likely benign for Neurofibromatosis, type 1. Last evaluated: 2025-03-30. Review status: criteria provided, single submitter. Criteria: Invitae Variant Classification Sherloc (09022015). Collection method: clinical testing. Allele origin: germline.

Genome-Nilou Lab
Classification: Likely benign for Neurofibromatosis, type 1. Last evaluated: 2022-03-15. Review status: criteria provided, single submitter. Criteria: ACMG Guidelines, 2015. Collection method: clinical testing. Allele origin: germline. Affected: no.

Ambry Genetics
Classification: Likely benign for Hereditary cancer-predisposing syndrome. Last evaluated: 2016-03-18. Review status: criteria provided, single submitter. Criteria: Ambry Autosomal Dominant and X-Linked criteria (10/2015). Collection method: clinical testing. Allele origin: germline. Observed: 1 variant allele.
Comment: In silico models in agreement (benign);Synonymous alterations with insufficient evidence to classify as benign